The following is an entry in ClinVar:

NM_000303.3(PMM2):c.391C>G (p.Pro131Ala)

Gene: PMM2 (phosphomannomutase 2; plus strand). Cytogenetic location: 16p13.2.
Variant type: single nucleotide variant.
Coding change: c.391C>G on transcript NM_000303.3 (MANE Select); coding-DNA position 391, C replaced by G.
Protein change: p.Pro131Ala; replaces proline 131 with alanine.
Molecular consequence: missense variant.
Genome position (GRCh38, 1-based): chr16:8,811,122, C>G. VCF-style: chr16-8811122-C-G. GRCh37 (hg19) VCF-style: chr16-8904979-C-G.
Other names: c.391C>G (NM_000303.2); short protein forms P131A.
Identifiers: ClinVar variation 2137778 (VCV002137778.7), dbSNP rs1274547742, ClinGen allele CA394696583.

ClinVar aggregate classification (germline): Pathogenic/Likely pathogenic. Review status: criteria provided, multiple submitters, no conflicts (2 of 4 stars). 4 submissions from 4 submitters: Pathogenic (1); Likely pathogenic (3). Last evaluated 2025-10-21.

Conditions:
Inborn genetic diseases. Identifiers: MedGen C0950123, MeSH D030342.
PMM2-congenital disorder of glycosylation. Also called: JAEKEN SYNDROME; PHOSPHOMANNOMUTASE 2 DEFICIENCY; CARBOHYDRATE-DEFICIENT GLYCOPROTEIN SYNDROME, TYPE Ia; Congenital disorder of glycosylation, type Ia; CDG Ia; PMM2-CDG. Identifiers: Orphanet 79318, MedGen C0349653, MONDO:0008907, OMIM 212065.

Allele frequency attached by ClinVar (database versions not stated): gnomAD 0.00001.
gnomAD v4.1: 1 of 1,577,798 alleles (0.000063%); highest among the groups gnomAD compares: East Asian, 0.0023%; no homozygotes.

Submissions (4):

Natera, Inc.
Classification: Likely pathogenic for Congenital disorder of glycosylation type 1a. Last evaluated: 2025-10-21. Review status: criteria provided, single submitter. Criteria: Natera Variant Classification Schema (03/2026). Collection method: clinical testing. Allele origin: germline.
Comment: The c.391C>G variant in PMM2 is a missense variant predicted to cause substitution of proline to alanine at amino acid 131. This variant is rare in the general population with a frequency below the threshold expected for the associated phenotype(s). This variant has been observed in one or more individuals affected with the associated recessive disease, as either homozygous or compound heterozygous with a second variant (PMID: 15844218, 9140401). Computational prediction algorithms indicate this variant is likely to affect gene or protein function. Given the available evidence, this variant is classified as Likely Pathogenic.

Baylor Genetics
Classification: Likely pathogenic for PMM2-congenital disorder of glycosylation. Last evaluated: 2023-11-19. Review status: criteria provided, single submitter. Criteria: ACMG Guidelines, 2015. Collection method: clinical testing. Allele origin: unknown.

Labcorp Genetics (formerly Invitae), Labcorp
Classification: Pathogenic for PMM2-congenital disorder of glycosylation. Last evaluated: 2022-06-28. Review status: criteria provided, single submitter. Criteria: Invitae Variant Classification Sherloc (09022015). Collection method: clinical testing. Allele origin: germline.
Comment: This variant is present in population databases (no rsID available, gnomAD 0.06%). This sequence change replaces proline, which is neutral and non-polar, with alanine, which is neutral and non-polar, at codon 131 of the PMM2 protein (p.Pro131Ala). This missense change has been observed in individual(s) with PMM2-related conditions (PMID: 9140401, 15844218; Invitae). In at least one individual the data is consistent with being in trans (on the opposite chromosome) from a pathogenic variant. For these reasons, this variant has been classified as Pathogenic. Algorithms developed to predict the effect of missense changes on protein structure and function (SIFT, PolyPhen-2, Align-GVGD) all suggest that this variant is likely to be disruptive.

Ambry Genetics
Classification: Likely pathogenic for Inborn genetic diseases. Last evaluated: 2021-05-26. Review status: criteria provided, single submitter. Criteria: Ambry Variant Classification Scheme 2023. Collection method: clinical testing. Allele origin: germline.
Comment: The c.391C>G (p.P131A) alteration is located in exon 5 (coding exon 5) of the PMM2 gene. This alteration results from a C to G substitution at nucleotide position 391, causing the proline (P) at amino acid position 131 to be replaced by an alanine (A). Based on data from the Genome Aggregation Database (gnomAD), the PMM2 c.391C>G alteration was observed in 0.0032% (1/31398) of total alleles studied. This alteration has been reported in patients with congenital disorder of glycosylation type 1a (Matthijs, 1997; Le Bizec, 2005). This amino acid position is highly conserved in available vertebrate species. The p.P131A alteration is predicted to be deleterious by in silico analysis. Based on the available evidence, this alteration is classified as likely pathogenic.

Literature cited by the submitters: PubMed 15844218 (cited by 3 submitters); PubMed 9140401 (cited by 3 submitters).